The following is an entry in ClinVar:

ClinVar aggregate classification (germline): Pathogenic. Review status: criteria provided, multiple submitters, no conflicts (2 of 4 stars). 4 submissions from 4 submitters: Pathogenic (2). 2 of the submissions do not count toward it. Last evaluated 2020-03-28.

Conditions:
CFTR-related disorder (CFTR-RD). Also called: CFTR-related condition; CFTR-related disorders. Identifiers: MedGen C5924204, MONDO:7770004.
Cystic fibrosis (CF). Also called: MUCOVISCIDOSIS. Identifiers: Orphanet 586, MedGen C0010674, MONDO:0009061, OMIM 219700. Disease mechanism: loss of function.

Submissions (4):

Labcorp Genetics (formerly Invitae), Labcorp
Classification: Pathogenic for Cystic fibrosis. Last evaluated: 2020-03-28. Review status: criteria provided, single submitter. Criteria: Invitae Variant Classification Sherloc (09022015). Collection method: clinical testing. Allele origin: germline.
Comment: This variant has been observed in an individual affected with cystic fibrosis (PMID: 15698946). ClinVar contains an entry for this variant (Variation ID: 53474). This variant is not present in population databases (ExAC no frequency). This sequence change creates a premature translational stop signal (p.Ser776*) in the CFTR gene. It is expected to result in an absent or disrupted protein product. Loss-of-function variants in CFTR are known to be pathogenic (PMID: 1695717, 7691345, 9725922). For these reasons, this variant has been classified as Pathogenic.

CFTR-France
Classification: Pathogenic for cystic fibrosis. Last evaluated: 2018-01-29. Review status: criteria provided, single submitter. Criteria: Claustres M et al. (Hum Mutat 2017). Collection method: curation. Allele origin: germline. Affected: yes.

Natera, Inc.
Classification: Pathogenic for CFTR-related disorders. Last evaluated: 2017-03-17. Review status: no assertion criteria provided. Collection method: clinical testing. Allele origin: germline. Not counted in ClinVar's aggregate classification.

ClinVar Staff, National Center for Biotechnology Information (NCBI)
No classification provided. Condition: CFTR-related disorders. Review status: no classification provided. Collection method: literature only. Allele origin: germline. Affected: yes. Not counted in ClinVar's aggregate classification.

Literature cited by the submitters: PubMed 15698946 (cited by Labcorp Genetics (formerly Invitae), Labcorp and ClinVar Staff, National Center for Biotechnology Information (NCBI)); PubMed 1695717 (cited by Labcorp Genetics (formerly Invitae), Labcorp); PubMed 7691345 (cited by Labcorp Genetics (formerly Invitae), Labcorp); PubMed 9725922 (cited by Labcorp Genetics (formerly Invitae), Labcorp).

NM_000492.4(CFTR):c.2327C>G (p.Ser776Ter)

Gene: CFTR (CF transmembrane conductance regulator; plus strand). Cytogenetic location: 7q31.2.
Variant type: single nucleotide variant.
Coding change: c.2327C>G on transcript NM_000492.4 (MANE Select); coding-DNA position 2327, C replaced by G.
Protein change: p.Ser776Ter; replaces serine 776 with a stop codon.
Molecular consequence: nonsense.
Genome position (GRCh38, 1-based): chr7:117,592,494, C>G. VCF-style: chr7-117592494-C-G. GRCh37 (hg19) VCF-style: chr7-117232548-C-G.
Other names: short protein forms S776*.
Identifiers: ClinVar variation 53474 (VCV000053474.11), dbSNP rs397508365, ClinGen allele CA326792.